The following is an entry in ClinVar:

NM_006766.5(KAT6A):c.2373A>C (p.Glu791Asp)

Gene: KAT6A (lysine acetyltransferase 6A; minus strand). Cytogenetic location: 8p11.21.
Variant type: single nucleotide variant.
Coding change: c.2373A>C on transcript NM_006766.5 (MANE Select); coding-DNA position 2373, A replaced by C.
Protein change: p.Glu791Asp; replaces glutamic acid 791 with aspartic acid.
Molecular consequence: missense variant.
Genome position (GRCh38, 1-based): chr8:41,942,856, T>G on the plus strand (A>C on the coding strand, the complement: KAT6A is on the minus strand). VCF-style: chr8-41942856-T-G. GRCh37 (hg19) VCF-style: chr8-41800374-T-G.
Other names: c.2373A>C (NM_006766.4); c.2373A>C, p.Glu791Asp (NM_001305878.2); short protein forms E791D.
Identifiers: ClinVar variation 588282 (VCV000588282.25), dbSNP rs201345009, ClinGen allele CA4729929.

ClinVar aggregate classification (germline): Benign/Likely benign. Review status: criteria provided, multiple submitters, no conflicts (2 of 4 stars). 7 submissions from 7 submitters: Benign (2); Likely benign (4). 1 of the submissions does not count toward it. Last evaluated 2026-09-01.

Conditions:
KAT6A-related disorder. Also called: KAT6A-related condition.
Inborn genetic diseases. Identifiers: MedGen C0950123, MeSH D030342.

Allele frequency attached by ClinVar (database versions not stated): gnomAD exomes 0.00028 and 0.00128; gnomAD 0.00038 and 0.00044; ExAC 0.00105; TOPMed 0.00108; 1000 Genomes Project 0.00160; 1000 Genomes Project 30x 0.00203.
gnomAD v4.1: 473 of 1,614,200 alleles (0.029%); highest among the groups gnomAD compares: Admixed American, 0.76%; 1 homozygote.

Submissions (7):

CeGaT Center for Human Genetics Tuebingen
Classification: Likely benign. Last evaluated: 2026-09-01. Review status: criteria provided, single submitter. Criteria: CeGaT Center For Human Genetics Tuebingen Variant Classification Criteria Version 2. Collection method: clinical testing. Allele origin: germline. Affected: yes. Observed: 9 variant alleles.
Comment: KAT6A: BP4, BS1

Labcorp Genetics (formerly Invitae), Labcorp
Classification: Benign. Last evaluated: 2026-02-03. Review status: criteria provided, single submitter. Criteria: Invitae Variant Classification Sherloc (09022015). Collection method: clinical testing. Allele origin: germline.

Blueprint Genetics
Classification: Likely benign. Last evaluated: 2024-11-18. Review status: criteria provided, single submitter. Criteria: ACMG Guidelines, 2015. Collection method: clinical testing. Allele origin: germline.

GeneDx
Classification: Benign. Last evaluated: 2019-04-01. Review status: criteria provided, single submitter. Criteria: GeneDx Variant Classification Process June 2021. Collection method: clinical testing. Allele origin: germline. Affected: yes.

Ambry Genetics
Classification: Likely benign for Inborn genetic diseases. Last evaluated: 2017-12-18. Review status: criteria provided, single submitter. Criteria: Ambry Variant Classification Scheme 2023. Collection method: clinical testing. Allele origin: germline.

Breakthrough Genomics
Classification: Likely benign. Review status: criteria provided, single submitter. Criteria: ACMG Guidelines, 2015. Collection method: not provided. Allele origin: germline. Inheritance: Autosomal dominant inheritance. Affected: yes.

PreventionGenetics, part of Exact Sciences
Classification: Likely benign for KAT6A-related condition. Last evaluated: 2021-07-06. Review status: no assertion criteria provided. Collection method: clinical testing. Allele origin: germline. Not counted in ClinVar's aggregate classification.
Comment: This variant is classified as likely benign based on ACMG/AMP sequence variant interpretation guidelines (Richards et al. 2015 PMID: 25741868, with internal and published modifications).